The following is an entry in ClinVar:

ClinVar aggregate classification (germline): Likely benign (1 of 4 stars; one submission).

Conditions:
Cone-rod dystrophy 9 (CORD9). Identifiers: Orphanet 1872, MedGen C1423873, MONDO:0013002, OMIM 612775.

Allele frequency attached by ClinVar (database versions not stated): ExAC 0.00019; 1000 Genomes Project 0.00240; gnomAD 0.00246 and 0.00267; TOPMed 0.00259; 1000 Genomes Project 30x 0.00281.
gnomAD v4.1: 461 of 454,158 alleles (0.1%); highest among the groups gnomAD compares: African/African-American, 0.85%; 5 homozygotes.

Submission:

Illumina Laboratory Services, Illumina
Classification: Likely benign for Cone-rod dystrophy 9. Last evaluated: 2018-01-13. Review status: criteria provided, single submitter. Criteria: ICSL Variant Classification Criteria 13 December 2019. Collection method: clinical testing. Allele origin: germline.
Comment: This variant was observed in the ICSL laboratory as part of a predisposition screen in an ostensibly healthy population. It had not been previously curated by ICSL or reported in the Human Gene Mutation Database (HGMD: prior to June 1st, 2018), and was therefore a candidate for classification through an automated scoring system. Utilizing variant allele frequency, disease prevalence and penetrance estimates, and inheritance mode, an automated score was calculated to assess if this variant is too frequent to cause the disease. Based on the score and internal cut-off values, a variant classified as likely benign is not then subjected to further curation. The score for this variant resulted in a classification of likely benign for this disease.

NM_003816.3(ADAM9):c.*486A>G

Gene: ADAM9 (ADAM metallopeptidase domain 9; plus strand). Cytogenetic location: 8p11.22.
Variant type: single nucleotide variant.
Coding change: c.*486A>G on transcript NM_003816.3 (MANE Select); 486 bases downstream of the stop codon, A replaced by G.
Molecular consequence: 3 prime UTR variant. On other transcripts: non-coding transcript variant (3).
Genome position (GRCh38, 1-based): chr8:39,104,186, A>G. VCF-style: chr8-39104186-A-G. GRCh37 (hg19) VCF-style: chr8-38961705-A-G.
Identifiers: ClinVar variation 911590 (VCV000911590.4), dbSNP rs147547357, ClinGen allele CA4721959.